The following is an entry in ClinVar:

NM_001384732.1(CPLANE1):c.9712G>A (p.Val3238Met)

Gene: CPLANE1 (ciliogenesis and planar polarity effector complex subunit 1; minus strand). Cytogenetic location: 5p13.2.
Variant type: single nucleotide variant.
Coding change: c.9712G>A on transcript NM_001384732.1 (MANE Select); coding-DNA position 9712, G replaced by A.
Protein change: p.Val3238Met; replaces valine 3238 with methionine.
Molecular consequence: missense variant.
Genome position (GRCh38, 1-based): chr5:37,107,646, C>T on the plus strand (G>A on the coding strand, the complement: CPLANE1 is on the minus strand). VCF-style: chr5-37107646-C-T. GRCh37 (hg19) VCF-style: chr5-37107748-C-T.
Other names: c.9550G>A, p.Val3184Met (NM_023073.4); short protein forms V3184M, V3238M.
Identifiers: ClinVar variation 2056786 (VCV002056786.4), dbSNP rs780349375, ClinGen allele CA3237391.

ClinVar aggregate classification (germline): Uncertain significance (1 of 4 stars; one submission).

Allele frequency attached by ClinVar (database versions not stated): gnomAD exomes 0.00001; TOPMed 0.00001; ExAC 0.00004.
gnomAD v4.1: 12 of 1,611,132 alleles (0.00074%); highest among the groups gnomAD compares: East Asian, 0.0067%; no homozygotes.

Submission:

Labcorp Genetics (formerly Invitae), Labcorp
Classification: Uncertain significance. Last evaluated: 2025-06-12. Review status: criteria provided, single submitter. Criteria: Invitae Variant Classification Sherloc (09022015). Collection method: clinical testing. Allele origin: germline.
Comment: This sequence change replaces valine, which is neutral and non-polar, with methionine, which is neutral and non-polar, at codon 3184 of the CPLANE1 protein (p.Val3184Met). This variant is present in population databases (rs780349375, gnomAD 0.01%). This variant has not been reported in the literature in individuals affected with CPLANE1-related conditions. ClinVar contains an entry for this variant (Variation ID: 2056786). Invitae Evidence Modeling of protein sequence and biophysical properties (such as structural, functional, and spatial information, amino acid conservation, physicochemical variation, residue mobility, and thermodynamic stability) indicates that this missense variant is not expected to disrupt CPLANE1 protein function with a negative predictive value of 95%. In summary, the available evidence is currently insufficient to determine the role of this variant in disease. Therefore, it has been classified as a Variant of Uncertain Significance.